The following is an entry in ClinVar:

ClinVar aggregate classification (germline): Uncertain significance (1 of 4 stars; one submission).

Conditions:
Hereditary cancer-predisposing syndrome. Also called: Tumor predisposition; Hereditary Cancer Syndrome; Hereditary neoplastic syndrome; Neoplastic Syndromes, Hereditary. Identifiers: Orphanet 140162, MedGen C0027672, MeSH D009386, MONDO:0015356.

Submission:

Ambry Genetics
Classification: Uncertain significance for Hereditary cancer-predisposing syndrome. Last evaluated: 2024-05-10. Review status: criteria provided, single submitter. Criteria: Ambry Variant Classification Scheme 2023. Collection method: clinical testing. Allele origin: germline.
Comment: The c.-2C>A variant is located in the 5' untranslated region (5&rsquo; UTR) of the PALB2 gene. This variant results from a C to A substitution 2 bases upstream from the first translated codon. This nucleotide position is not well conserved in available vertebrate species. Based on the available evidence, the clinical significance of this variant remains unclear.

NM_024675.4(PALB2):c.-2C>A

Gene: PALB2 (partner and localizer of BRCA2; minus strand). Cytogenetic location: 16p12.2.
Variant type: single nucleotide variant.
Coding change: c.-2C>A on transcript NM_024675.4 (MANE Select); 2 bases upstream of the start codon, C replaced by A.
Molecular consequence: 5 prime UTR variant.
Genome position (GRCh38, 1-based): chr16:23,641,159, G>T on the plus strand (C>A on the coding strand, the complement: PALB2 is on the minus strand). VCF-style: chr16-23641159-G-T. GRCh37 (hg19) VCF-style: chr16-23652480-G-T.
Other names: c.-1021C>A (NM_001407307.1, NM_001407309.1, NM_001407311.1 and 1 more transcripts); c.-870C>A (NM_001407308.1, NM_001407306.1); c.-1745C>A (NM_001407310.1, NM_001407304.1); c.-154C>A (NM_001407312.1, NM_001407313.1); c.-2C>A (NM_001407314.1, NM_001407296.1, NM_001407297.1 and 5 more transcripts).
Identifiers: ClinVar variation 3303998 (VCV003303998.1).